The following is an entry in ClinVar:

ClinVar aggregate classification (germline): Uncertain significance (1 of 4 stars; one submission).

Submission:

Labcorp Genetics (formerly Invitae), Labcorp
Classification: Uncertain significance. Last evaluated: 2025-11-27. Review status: criteria provided, single submitter. Criteria: Invitae Variant Classification Sherloc (09022015). Collection method: clinical testing. Allele origin: germline.
Comment: This sequence change replaces arginine, which is basic and polar, with glutamine, which is neutral and polar, at codon 1828 of the DCHS1 protein (p.Arg1828Gln). This variant is present in population databases (no rsID available, gnomAD 0.005%). This variant has not been reported in the literature in individuals affected with DCHS1-related conditions. Invitae Evidence Modeling of protein sequence and biophysical properties (such as structural, functional, and spatial information, amino acid conservation, physicochemical variation, residue mobility, and thermodynamic stability) indicates that this missense variant is not expected to disrupt DCHS1 protein function with a negative predictive value of 80%. In summary, the available evidence is currently insufficient to determine the role of this variant in disease. Therefore, it has been classified as a Variant of Uncertain Significance.

NM_003737.4(DCHS1):c.5483G>A (p.Arg1828Gln)

Gene: DCHS1 (dachsous cadherin-related 1; minus strand). Cytogenetic location: 11p15.4.
Variant type: single nucleotide variant.
Coding change: c.5483G>A on transcript NM_003737.4 (MANE Select); coding-DNA position 5483, G replaced by A.
Protein change: p.Arg1828Gln; replaces arginine 1828 with glutamine.
Molecular consequence: missense variant.
Genome position (GRCh38, 1-based): chr11:6,627,556, C>T on the plus strand (G>A on the coding strand, the complement: DCHS1 is on the minus strand). VCF-style: chr11-6627556-C-T. GRCh37 (hg19) VCF-style: chr11-6648787-C-T.
Other names: short protein forms R1828Q.
Identifiers: ClinVar variation 4779066 (VCV004779066.1).